The following is an entry in ClinVar:

ClinVar aggregate classification (germline): Uncertain significance (1 of 4 stars; one submission).

gnomAD v4.1: 3 of 1,209,580 alleles (0.00025%); highest among the groups gnomAD compares: Non-Finnish European, 0.00022%; no homozygotes.

Submission:

Labcorp Genetics (formerly Invitae), Labcorp
Classification: Uncertain significance. Last evaluated: 2024-07-19. Review status: criteria provided, single submitter. Criteria: Invitae Variant Classification Sherloc (09022015). Collection method: clinical testing. Allele origin: germline.
Comment: This sequence change replaces aspartic acid, which is acidic and polar, with glycine, which is neutral and non-polar, at codon 287 of the DRP2 protein (p.Asp287Gly). This variant is not present in population databases (gnomAD no frequency). This variant has not been reported in the literature in individuals affected with DRP2-related conditions. Advanced modeling of protein sequence and biophysical properties (such as structural, functional, and spatial information, amino acid conservation, physicochemical variation, residue mobility, and thermodynamic stability) performed at Invitae indicates that this missense variant is not expected to disrupt DRP2 protein function with a negative predictive value of 80%. In summary, the available evidence is currently insufficient to determine the role of this variant in disease. Therefore, it has been classified as a Variant of Uncertain Significance.

NM_001939.3(DRP2):c.860A>G (p.Asp287Gly)

Gene: DRP2 (dystrophin related protein 2; plus strand). Cytogenetic location: Xq22.1.
Variant type: single nucleotide variant.
Coding change: c.860A>G on transcript NM_001939.3 (MANE Select); coding-DNA position 860, A replaced by G.
Protein change: p.Asp287Gly; replaces aspartic acid 287 with glycine.
Molecular consequence: missense variant.
Genome position (GRCh38, 1-based): chrX:101,242,356, A>G. VCF-style: chrX-101242356-A-G. GRCh37 (hg19) VCF-style: chrX-100497345-A-G.
Other names: c.626A>G, p.Asp209Gly (NM_001171184.2); short protein forms D209G, D287G.
Identifiers: ClinVar variation 3679178 (VCV003679178.2).